The following is an entry in ClinVar:

ClinVar aggregate classification (germline): Uncertain significance. Review status: criteria provided, multiple submitters, no conflicts (2 of 4 stars). 3 submissions from 3 submitters: Uncertain significance (3). Last evaluated 2026-04-27.

Conditions:
Myofibrillar myopathy 5. Also called: Filaminopathy (type); FILAMINOPATHY, AUTOSOMAL DOMINANT. Identifiers: Orphanet 171445, MedGen C1836050, MONDO:0012289, OMIM 609524.
Distal myopathy with posterior leg and anterior hand involvement. Also called: WILLIAMS DISTAL MYOPATHY. Identifiers: Orphanet 63273, MedGen C3279722, MONDO:0013550, OMIM 614065.
Hypertrophic cardiomyopathy 26. Also called: Cardiomyopathy, familial hypertrophic, 26. Identifiers: Orphanet 75249, MedGen C4310749, MONDO:0014883, OMIM 617047.
Cardiovascular phenotype. Identifiers: MedGen CN230736.

Allele frequency attached by ClinVar (database versions not stated): gnomAD 0.00001; gnomAD exomes 0.00001; ExAC 0.00002.
gnomAD v4.1: 6 of 1,613,838 alleles (0.00037%); highest among the groups gnomAD compares: Non-Finnish European, 0.00051%; no homozygotes.

Submissions (3):

Ambry Genetics
Classification: Uncertain significance for Cardiovascular phenotype. Last evaluated: 2026-04-27. Review status: criteria provided, single submitter. Criteria: Ambry Variant Classification Scheme 2023. Collection method: clinical testing. Allele origin: germline.
Comment: The p.K1530R variant (also known as c.4589A>G), located in coding exon 27 of the FLNC gene, results from an A to G substitution at nucleotide position 4589. The lysine at codon 1530 is replaced by arginine, an amino acid with highly similar properties. This amino acid position is highly conserved in available vertebrate species. In addition, the in silico prediction for this alteration is inconclusive. Based on the available evidence, the clinical significance of this variant remains unclear.

Labcorp Genetics (formerly Invitae), Labcorp
Classification: Uncertain significance for Distal myopathy with posterior leg and anterior hand involvement; Myofibrillar myopathy 5; Hypertrophic cardiomyopathy 26. Last evaluated: 2022-05-25. Review status: criteria provided, single submitter. Criteria: Invitae Variant Classification Sherloc (09022015). Collection method: clinical testing. Allele origin: germline.
Comment: In summary, the available evidence is currently insufficient to determine the role of this variant in disease. Therefore, it has been classified as a Variant of Uncertain Significance. Algorithms developed to predict the effect of sequence changes on RNA splicing suggest that this variant may create or strengthen a splice site. Algorithms developed to predict the effect of missense changes on protein structure and function are either unavailable or do not agree on the potential impact of this missense change (SIFT: "Tolerated"; PolyPhen-2: "Probably Damaging"; Align-GVGD: "Class C0"). ClinVar contains an entry for this variant (Variation ID: 447345). This variant has not been reported in the literature in individuals affected with FLNC-related conditions. This variant is present in population databases (rs756526090, gnomAD 0.0009%). This sequence change replaces lysine, which is basic and polar, with arginine, which is basic and polar, at codon 1530 of the FLNC protein (p.Lys1530Arg).

Athena Diagnostics
Classification: Uncertain significance. Last evaluated: 2016-10-20. Review status: criteria provided, single submitter. Criteria: Athena Diagnostics Criteria. Collection method: clinical testing. Allele origin: germline.

NM_001458.5(FLNC):c.4589A>G (p.Lys1530Arg)

Gene: FLNC (filamin C; plus strand). Cytogenetic location: 7q32.1.
Variant type: single nucleotide variant.
Coding change: c.4589A>G on transcript NM_001458.5 (MANE Select); coding-DNA position 4589, A replaced by G.
Protein change: p.Lys1530Arg; replaces lysine 1530 with arginine.
Molecular consequence: missense variant.
Genome position (GRCh38, 1-based): chr7:128,848,569, A>G. VCF-style: chr7-128848569-A-G. GRCh37 (hg19) VCF-style: chr7-128488623-A-G.
Other names: c.4589A>G, p.Lys1530Arg (NM_001127487.2); short protein forms K1530R.
Identifiers: ClinVar variation 447345 (VCV000447345.11), dbSNP rs756526090, ClinGen allele CA4475397.